The following is an entry in ClinVar:

ClinVar aggregate classification (germline): Pathogenic/Likely pathogenic. Review status: criteria provided, multiple submitters, no conflicts (2 of 4 stars). 5 submissions from 5 submitters: Pathogenic (4); Likely pathogenic (1). Last evaluated 2025-11-10.

Conditions:
Zellweger spectrum disorders (ZS). Also called: Zellweger Spectrum Disorder (ZSD); Zellweger Spectrum Disorder; Zellweger Spectrum; Zellweger syndrome. Identifiers: Orphanet 912, MedGen C0043459, MONDO:0019609.
Peroxisome biogenesis disorder, complementation group 7 (CG7). Also called: Peroxisome biogenesis disorder, complementation group B. Identifiers: MedGen C1864399.
Peroxisome biogenesis disorder 6A (Zellweger). Also called: Peroxisome biogenesis disorder 6A. Identifiers: Orphanet 912, MedGen C3553947, MONDO:0013936, OMIM 614870.
Peroxisome biogenesis disorder 6B (PBD6B). Identifiers: Orphanet 44, MedGen C3553948, MONDO:0013937, OMIM 614871.

Submissions (5):

Natera, Inc.
Classification: Pathogenic for Zellweger syndrome. Last evaluated: 2025-11-10. Review status: criteria provided, single submitter. Criteria: Natera Variant Classification Schema (03/2026). Collection method: clinical testing. Allele origin: germline.
Comment: The c.26dupC variant in PEX10 is a frameshift variant predicted to shift the reading frame beginning at codon 10 and leads to a stop codon 41 codons downstream. This variant is expected to result in nonsense mediated decay, truncation, or a dysfunctional protein product. This variant is rare in the general population with a frequency below the threshold expected for the associated phenotype(s). This variant has been observed in one or more individuals affected with the associated recessive disease, as either homozygous or compound heterozygous with a second variant (PMID: 34234304, 40267090). Given the available evidence, this variant is classified as Pathogenic.

Fulgent Genetics
Classification: Likely pathogenic for Peroxisome biogenesis disorder 6A (Zellweger); Peroxisome biogenesis disorder 6B. Last evaluated: 2024-06-18. Review status: criteria provided, single submitter. Criteria: ACMG Guidelines, 2015. Collection method: clinical testing. Allele origin: germline.

Baylor Genetics
Classification: Pathogenic for Peroxisome biogenesis disorder 6A (Zellweger). Last evaluated: 2024-01-25. Review status: criteria provided, single submitter. Criteria: ACMG Guidelines, 2015. Collection method: clinical testing. Allele origin: unknown.

Labcorp Genetics (formerly Invitae), Labcorp
Classification: Pathogenic for Peroxisome biogenesis disorder, complementation group 7. Last evaluated: 2023-10-22. Review status: criteria provided, single submitter. Criteria: Invitae Variant Classification Sherloc (09022015). Collection method: clinical testing. Allele origin: germline.
Comment: This sequence change creates a premature translational stop signal (p.Glu10Glyfs*41) in the PEX10 gene. It is expected to result in an absent or disrupted protein product. Loss-of-function variants in PEX10 are known to be pathogenic (PMID: 9683594, 10862081, 21031596). The frequency data for this variant in the population databases is considered unreliable, as metrics indicate poor data quality at this position in the gnomAD database. This variant has not been reported in the literature in individuals affected with PEX10-related conditions. ClinVar contains an entry for this variant (Variation ID: 1455143). For these reasons, this variant has been classified as Pathogenic.

Juno Genomics, Hangzhou Juno Genomics, Inc
Classification: Pathogenic for Peroxisome biogenesis disorder 6A (Zellweger); Peroxisome biogenesis disorder 6B. Review status: criteria provided, single submitter. Criteria: ACMG Guidelines, 2015. Collection method: clinical testing. Allele origin: germline.
Comment: Absent from controls (or at extremely low frequency if recessive) in Genome Aggregation Database.;Null variant in a gene where loss of function (LOF) is a known mechanism of disease.;For recessive disorders, detected in trans with a pathogenic variant.;Patient's phenotype or family history is highly specific for a disease with a single genetic etiology.

Literature cited by the submitters: PubMed 34234304 (cited by Natera, Inc.); PubMed 40267090 (cited by Natera, Inc.); PubMed 9683594 (cited by Labcorp Genetics (formerly Invitae), Labcorp); PubMed 10862081 (cited by Labcorp Genetics (formerly Invitae), Labcorp); PubMed 21031596 (cited by Labcorp Genetics (formerly Invitae), Labcorp).

NM_002617.4(PEX10):c.26dup (p.Glu10fs)

Gene: PEX10 (peroxisomal biogenesis factor 10; minus strand). Cytogenetic location: 1p36.32.
Variant type: Duplication.
Coding change: c.26dup on transcript NM_002617.4 (MANE Select); coding-DNA position 26, one base duplicated (C; older notation c.26dupC).
Protein change: p.Glu10fs; shifts the reading frame from glutamic acid 10.
Molecular consequence: frameshift variant. On other transcripts: intron variant (2).
Genome position (GRCh38, 1-based): chr1:2,412,477, G duplicated on the plus strand (C on the coding strand, the reverse complement: PEX10 is on the minus strand); the first of 6 consecutive G bases (chr1:2,412,477-2,412,482); duplicating any one gives the same sequence. VCF-style (leftmost placement, unchanged base first): chr1-2412476-C-CG. GRCh37 (hg19) VCF-style: chr1-2343915-C-CG.
Other names: c.26dup (NM_153818.1); c.26dup, p.Glu10fs (NM_001374425.1, NM_153818.2); c.-321+1120dup (NM_001374427.1, NM_001374426.1); c.26dupC (NM_153818.1); short protein forms E10fs.
Identifiers: ClinVar variation 1455143 (VCV001455143.11), dbSNP rs1553232917, ClinGen allele CA520680065.